The following is an entry in ClinVar:

ClinVar aggregate classification (germline): Uncertain significance (1 of 4 stars; one submission).

Conditions:
Hereditary cancer-predisposing syndrome. Also called: Neoplastic Syndromes, Hereditary; Tumor predisposition; Hereditary Cancer Syndrome; Hereditary neoplastic syndrome. Identifiers: Orphanet 140162, MedGen C0027672, MeSH D009386, MONDO:0015356.
Cardiovascular phenotype. Identifiers: MedGen CN230736.

Allele frequency attached by ClinVar (database versions not stated): ExAC 0.00001.

Submission:

Ambry Genetics
Classification: Uncertain significance for Cardiovascular phenotype; Hereditary cancer-predisposing syndrome. Last evaluated: 2021-11-17. Review status: criteria provided, single submitter. Criteria: Ambry Variant Classification Scheme 2023. Collection method: clinical testing. Allele origin: germline.
Comment: The p.L671P variant (also known as c.2012T>C), located in coding exon 17 of the LZTR1 gene, results from a T to C substitution at nucleotide position 2012. The leucine at codon 671 is replaced by proline, an amino acid with similar properties. This amino acid position is highly conserved in available vertebrate species. In addition, this alteration is predicted to be deleterious by in silico analysis. Since supporting evidence is limited at this time, the clinical significance of this alteration remains unclear.

NM_006767.4(LZTR1):c.2012T>C (p.Leu671Pro)

Gene: LZTR1 (leucine zipper like post translational regulator 1; plus strand). Cytogenetic location: 22q11.21.
Variant type: single nucleotide variant.
Coding change: c.2012T>C on transcript NM_006767.4 (MANE Select); coding-DNA position 2012, T replaced by C.
Protein change: p.Leu671Pro; replaces leucine 671 with proline.
Molecular consequence: missense variant.
Genome position (GRCh38, 1-based): chr22:20,995,815, T>C. VCF-style: chr22-20995815-T-C. GRCh37 (hg19) VCF-style: chr22-21350104-T-C.
Other names: short protein forms L671P.
Identifiers: ClinVar variation 1784435 (VCV001784435.2), dbSNP rs762077546, ClinGen allele CA10119199.